The following is an entry in ClinVar:

ClinVar aggregate classification (germline): Likely pathogenic (1 of 4 stars; one submission).

Conditions:
Netherton syndrome (NETH). Also called: ERYTHRODERMA, ICHTHYOSIFORM, WITH HYPOTRICHOSIS AND HYPER-IgE; COMEL-NETHERTON SYNDROME; NETHERTON DISEASE. Identifiers: Orphanet 634, MedGen C5574950, MONDO:0009735, OMIM 256500.

Submission:

Laboratorio de Genetica e Diagnostico Molecular, Hospital Israelita Albert Einstein
Classification: Likely pathogenic for Netherton syndrome. Last evaluated: 2024-04-26. Review status: criteria provided, single submitter. Criteria: ACMG Guidelines, 2015. Collection method: clinical testing. Allele origin: germline. Affected: yes.
Comment: ACMG classification criteria: PVS1 very strong, PM2 supporting

NM_006846.4(SPINK5):c.1771_1772dup (p.Leu591_Asp592insTer)

Gene: SPINK5 (serine peptidase inhibitor Kazal type 5; plus strand). Cytogenetic location: 5q32.
Variant type: Duplication.
Coding change: c.1771_1772dup on transcript NM_006846.4 (MANE Select); coding-DNA positions 1771 to 1772, 2 bases duplicated (CT; older notation c.1771_1772dupCT).
Protein change: p.Leu591_Asp592insTer.
Molecular consequence: frameshift variant.
Genome position (GRCh38, 1-based): chr5:148,111,846-148,111,847, CT duplicated; duplicating any 2 consecutive bases within chr5:148,111,845-148,111,847 gives the same sequence; the c. name uses the placement nearest the transcript's 3' end. VCF-style (leftmost placement, unchanged base first): chr5-148111844-G-GTC. GRCh37 (hg19) VCF-style: chr5-147491407-G-GTC.
Other names: c.1771_1772dup, p.Leu591_Asp592insTer (NM_001127698.2, NM_001127699.2).
Identifiers: ClinVar variation 4076210 (VCV004076210.1).